The following is an entry in ClinVar:

ClinVar aggregate classification (germline): Uncertain significance (1 of 4 stars; one submission).

Conditions:
Neuronopathy, distal hereditary motor, type 7A. Also called: Neuronopathy, distal hereditary motor, type viia; NEURONOPATHY, DISTAL HEREDITARY MOTOR, HARDING TYPE VIIA; NEUROPATHY, DISTAL HEREDITARY MOTOR, HARDING TYPE VIIA; Neuronopathy, distal hereditary motor, autosomal dominant 7; HARPER-YOUNG MYOPATHY; HMN VIIA. Identifiers: Orphanet 139589, MedGen C1834703, MONDO:0008024, OMIM 158580.
Congenital myasthenic syndrome 20. Also called: Myasthenic syndrome, congenital, 20, presynaptic. Identifiers: MedGen C4310694, MONDO:0014939, OMIM 617143.

Allele frequency attached by ClinVar (database versions not stated): TOPMed 0.00001; gnomAD 0.00002 and 0.00003.
gnomAD v4.1: 21 of 1,608,752 alleles (0.0013%); highest among the groups gnomAD compares: Admixed American, 0.0051%; no homozygotes.

Submission:

Labcorp Genetics (formerly Invitae), Labcorp
Classification: Uncertain significance for Neuronopathy, distal hereditary motor, type 7A; Congenital myasthenic syndrome 20. Last evaluated: 2024-11-19. Review status: criteria provided, single submitter. Criteria: Invitae Variant Classification Sherloc (09022015). Collection method: clinical testing. Allele origin: germline.
Comment: This sequence change replaces valine, which is neutral and non-polar, with methionine, which is neutral and non-polar, at codon 155 of the SLC5A7 protein (p.Val155Met). This variant is present in population databases (no rsID available, gnomAD 0.0009%). This variant has not been reported in the literature in individuals affected with SLC5A7-related conditions. ClinVar contains an entry for this variant (Variation ID: 581054). Invitae Evidence Modeling of protein sequence and biophysical properties (such as structural, functional, and spatial information, amino acid conservation, physicochemical variation, residue mobility, and thermodynamic stability) indicates that this missense variant is expected to disrupt SLC5A7 protein function with a positive predictive value of 80%. In summary, the available evidence is currently insufficient to determine the role of this variant in disease. Therefore, it has been classified as a Variant of Uncertain Significance.

NM_021815.5(SLC5A7):c.463G>A (p.Val155Met)

Gene: SLC5A7 (solute carrier family 5 member 7; plus strand). Cytogenetic location: 2q12.3.
Variant type: single nucleotide variant.
Coding change: c.463G>A on transcript NM_021815.5 (MANE Select); coding-DNA position 463, G replaced by A.
Protein change: p.Val155Met; replaces valine 155 with methionine.
Molecular consequence: missense variant. On other transcripts: 5 prime UTR variant (1).
Genome position (GRCh38, 1-based): chr2:107,997,852, G>A. VCF-style: chr2-107997852-G-A. GRCh37 (hg19) VCF-style: chr2-108614308-G-A.
Other names: c.463G>A, p.Val155Met (NM_001305005.3); c.148G>A, p.Val50Met (NM_001305006.3); c.-242G>A (NM_001305007.3); short protein forms V155M, V50M.
Identifiers: ClinVar variation 581054 (VCV000581054.6), dbSNP rs775903161, ClinGen allele CA348112407.